The following is an entry in ClinVar:

NM_001005242.3(PKP2):c.1452G>A (p.Thr484=)

Gene: PKP2 (plakophilin 2; minus strand). Cytogenetic location: 12p11.21.
Variant type: single nucleotide variant.
Coding change: c.1452G>A on transcript NM_001005242.3 (MANE Select); coding-DNA position 1452, G replaced by A.
Protein change: p.Thr484=; no amino-acid change (threonine 484 retained).
Molecular consequence: synonymous variant.
Genome position (GRCh38, 1-based): chr12:32,841,132, C>T on the plus strand (G>A on the coding strand, the complement: PKP2 is on the minus strand). VCF-style: chr12-32841132-C-T. GRCh37 (hg19) VCF-style: chr12-32994066-C-T.
Other names: c.1584G>A, p.Thr528= (NM_004572.4).
Identifiers: ClinVar variation 167501 (VCV000167501.21), dbSNP rs727504098, ClinGen allele CA011216.

ClinVar aggregate classification (germline): Conflicting classifications of pathogenicity. Review status: criteria provided, conflicting classifications (1 of 4 stars). 8 submissions from 8 submitters: Uncertain significance (2); Likely benign (6). Last evaluated 2026-02-03.

Conditions:
Cardiovascular phenotype. Identifiers: MedGen CN230736.
PKP2-related disorder. Also called: PKP2-related condition.
Arrhythmogenic right ventricular cardiomyopathy (ARVD). Also called: Cardiomyopathy, ARVC; Arrhythmogenic right ventricular dysplasia; Arrhythmogenic Right Ventricular Cardiomyopathy (ARVC); Arrhythmogenic cardiomyopathy. Identifiers: Orphanet 247, MedGen C0349788, MeSH D019571, MONDO:0016587. Disease mechanism: loss of function. Inheritance: Various modes of inheritance.
Cardiomyopathy (CMYO). Also called: Cardiomyopathies. Identifiers: Orphanet 167848, MedGen C0878544, MONDO:0004994, HP:0001638. Inheritance: Various modes of inheritance.
Arrhythmogenic right ventricular dysplasia 9 (ARVD9). Also called: Arrhythmogenic Right Ventricular Dysplasia/Cardiomyopathy 9; ARRHYTHMOGENIC RIGHT VENTRICULAR DYSPLASIA, FAMILIAL, 9. Identifiers: MedGen C1836906, MONDO:0012180, OMIM 609040.

Allele frequency attached by ClinVar (database versions not stated): ExAC 0.00001; gnomAD exomes 0.00001; gnomAD 0.00003 and 0.00004; TOPMed 0.00003.
gnomAD v4.1: 23 of 1,613,046 alleles (0.0014%); highest among the groups gnomAD compares: African/African-American, 0.008%; no homozygotes.

Submissions (8):

PreventionGenetics, part of Exact Sciences
Classification: Likely benign for PKP2-related condition. Last evaluated: 2026-02-03. Review status: criteria provided, single submitter. Criteria: ACMG Guidelines, 2015. Collection method: clinical testing. Allele origin: germline.
Comment: This variant is classified as likely benign based on ACMG/AMP sequence variant interpretation guidelines (Richards et al. 2015 PMID: 25741868, with internal and published modifications).

Labcorp Genetics (formerly Invitae), Labcorp
Classification: Likely benign for Arrhythmogenic right ventricular dysplasia 9. Last evaluated: 2026-02-01. Review status: criteria provided, single submitter. Criteria: Invitae Variant Classification Sherloc (09022015). Collection method: clinical testing. Allele origin: germline.

All of Us Research Program, National Institutes of Health
Classification: Likely benign for Arrhythmogenic right ventricular cardiomyopathy. Last evaluated: 2023-12-13. Review status: criteria provided, single submitter. Criteria: ACMG Guidelines, 2015. Collection method: clinical testing. Allele origin: germline. Inheritance: Autosomal dominant inheritance. Observed: 5 variant alleles, 5 heterozygotes.
Comment: This study involves interpretation of variants in research participants for the purpose of population health screening. Participant phenotype was not available at the time of variant classification. Additional details can be found in publication PMID: 35346344, PMCID: PMC8962531

Ambry Genetics
Classification: Likely benign for Cardiovascular phenotype. Last evaluated: 2020-03-19. Review status: criteria provided, single submitter. Criteria: Ambry Variant Classification Scheme 2023. Collection method: clinical testing. Allele origin: germline.

Color Diagnostics, LLC DBA Color Health
Classification: Likely benign for Cardiomyopathy. Last evaluated: 2019-01-25. Review status: criteria provided, single submitter. Criteria: ACMG Guidelines, 2015. Collection method: clinical testing. Allele origin: germline.

Illumina Laboratory Services, Illumina
Classification: Uncertain significance for Arrhythmogenic right ventricular dysplasia 9. Last evaluated: 2018-01-12. Review status: criteria provided, single submitter. Criteria: ICSL Variant Classification Criteria 13 December 2019. Collection method: clinical testing. Allele origin: germline.

GeneDx
Classification: Likely benign. Last evaluated: 2016-01-25. Review status: criteria provided, single submitter. Criteria: GeneDx Variant Classification (06012015). Collection method: clinical testing. Allele origin: germline. Affected: yes.
Comment: This variant is considered likely benign or benign based on one or more of the following criteria: it is a conservative change, it occurs at a poorly conserved position in the protein, it is predicted to be benign by multiple in silico algorithms, and/or has population frequency not consistent with disease.

Eurofins Ntd Llc (ga)
Classification: Uncertain significance. Last evaluated: 2014-01-07. Review status: criteria provided, single submitter. Criteria: EGL Classification Definitions 2015. Collection method: clinical testing. Allele origin: germline. Observed: 1 variant allele, 1 heterozygote.